The following is an entry in ClinVar:

ClinVar aggregate classification (germline): Uncertain significance. Review status: criteria provided, multiple submitters, no conflicts (2 of 4 stars). 2 submissions from 2 submitters: Uncertain significance (2). Last evaluated 2024-09-27.

Conditions:
Inborn genetic diseases. Identifiers: MedGen C0950123, MeSH D030342.

Allele frequency attached by ClinVar (database versions not stated): gnomAD exomes below 0.00001.
gnomAD v4.1: 1 of 1,590,800 alleles (0.000063%); highest among the groups gnomAD compares: Admixed American, 0.0017%; no homozygotes.

Submissions (2):

Ambry Genetics
Classification: Uncertain significance for Inborn genetic diseases. Last evaluated: 2024-09-27. Review status: criteria provided, single submitter. Criteria: Ambry Variant Classification Scheme 2023. Collection method: clinical testing. Allele origin: germline.

GeneDx
Classification: Uncertain significance. Last evaluated: 2022-09-06. Review status: criteria provided, single submitter. Criteria: GeneDx Variant Classification Process June 2021. Collection method: clinical testing. Allele origin: germline. Affected: yes.
Comment: Not observed at significant frequency in large population cohorts (gnomAD); In silico analysis supports that this missense variant does not alter protein structure/function; Has not been previously published as pathogenic or benign to our knowledge

NM_000340.2(SLC2A2):c.966T>G (p.Ile322Met)

Gene: SLC2A2 (solute carrier family 2 member 2; minus strand). Cytogenetic location: 3q26.2.
Variant type: single nucleotide variant.
Coding change: c.966T>G on transcript NM_000340.2 (MANE Select); coding-DNA position 966, T replaced by G.
Protein change: p.Ile322Met; replaces isoleucine 322 with methionine.
Molecular consequence: missense variant.
Genome position (GRCh38, 1-based): chr3:171,002,678, A>C on the plus strand (T>G on the coding strand, the complement: SLC2A2 is on the minus strand). VCF-style: chr3-171002678-A-C. GRCh37 (hg19) VCF-style: chr3-170720467-A-C.
Other names: c.609T>G, p.Ile203Met (NM_001278658.2); c.447T>G, p.Ile149Met (NM_001278659.2); short protein forms I149M, I203M, I322M.
Identifiers: ClinVar variation 2443617 (VCV002443617.2), dbSNP rs1272816101, ClinGen allele CA355487941.